The following is an entry in ClinVar:

ClinVar aggregate classification (germline): Uncertain significance (1 of 4 stars; one submission).

Conditions:
Pulmonary hypertension, primary, 4. Identifiers: Orphanet 422, MedGen C3809198, MONDO:0014136, OMIM 615344.

Submission:

Labcorp Genetics (formerly Invitae), Labcorp
Classification: Uncertain significance for Pulmonary hypertension, primary, 4. Last evaluated: 2025-08-18. Review status: criteria provided, single submitter. Criteria: Invitae Variant Classification Sherloc (09022015). Collection method: clinical testing. Allele origin: germline.
Comment: This sequence change replaces leucine, which is neutral and non-polar, with phenylalanine, which is neutral and non-polar, at codon 387 of the KCNK3 protein (p.Leu387Phe). This variant is not present in population databases (gnomAD no frequency). This variant has not been reported in the literature in individuals affected with KCNK3-related conditions. ClinVar contains an entry for this variant (Variation ID: 2066267). An algorithm developed to predict the effect of missense changes on protein structure and function (PolyPhen-2) suggests that this variant is likely to be tolerated. In summary, the available evidence is currently insufficient to determine the role of this variant in disease. Therefore, it has been classified as a Variant of Uncertain Significance.

NM_002246.3(KCNK3):c.1159C>T (p.Leu387Phe)

Gene: KCNK3 (potassium two pore domain channel subfamily K member 3; plus strand). Cytogenetic location: 2p23.3.
Variant type: single nucleotide variant.
Coding change: c.1159C>T on transcript NM_002246.3 (MANE Select); coding-DNA position 1159, C replaced by T.
Protein change: p.Leu387Phe; replaces leucine 387 with phenylalanine.
Molecular consequence: missense variant.
Genome position (GRCh38, 1-based): chr2:26,728,542, C>T. VCF-style: chr2-26728542-C-T. GRCh37 (hg19) VCF-style: chr2-26951410-C-T.
Other names: short protein forms L387F.
Identifiers: ClinVar variation 2066267 (VCV002066267.4), dbSNP rs2465325785, ClinGen allele CA346263536.